The following is an entry in ClinVar:

ClinVar aggregate classification (germline): Uncertain significance (1 of 4 stars; one submission).

Allele frequency attached by ClinVar (database versions not stated): gnomAD exomes 0.00001; gnomAD 0.00002.
gnomAD v4.1: 35 of 1,544,190 alleles (0.0023%); highest among the groups gnomAD compares: Middle Eastern, 0.17%; no homozygotes.

Submission:

Labcorp Genetics (formerly Invitae), Labcorp
Classification: Uncertain significance. Last evaluated: 2024-12-16. Review status: criteria provided, single submitter. Criteria: Invitae Variant Classification Sherloc (09022015). Collection method: clinical testing. Allele origin: germline.
Comment: This sequence change replaces alanine, which is neutral and non-polar, with threonine, which is neutral and polar, at codon 4380 of the HSPG2 protein (p.Ala4380Thr). The frequency data for this variant in the population databases is considered unreliable, as metrics indicate poor data quality at this position in the gnomAD database. This variant has not been reported in the literature in individuals affected with HSPG2-related conditions. ClinVar contains an entry for this variant (Variation ID: 1444146). An algorithm developed to predict the effect of missense changes on protein structure and function (PolyPhen-2) suggests that this variant is likely to be tolerated. In summary, the available evidence is currently insufficient to determine the role of this variant in disease. Therefore, it has been classified as a Variant of Uncertain Significance.

NM_005529.7(HSPG2):c.13138G>A (p.Ala4380Thr)

Genes: HSPG2 (heparan sulfate proteoglycan 2; minus strand), LDLRAD2 (low density lipoprotein receptor class A domain containing 2; plus strand). Cytogenetic location: 1p36.12.
Variant type: single nucleotide variant.
Coding change: c.13138G>A on transcript NM_005529.7 (MANE Select); coding-DNA position 13138, G replaced by A.
Protein change: p.Ala4380Thr; replaces alanine 4380 with threonine.
Molecular consequence: missense variant. On other transcripts: 3 prime UTR variant (1).
Genome position (GRCh38, 1-based): chr1:21,823,354, C>T on the plus strand (G>A on the coding strand, the complement: HSPG2 is on the minus strand). VCF-style: chr1-21823354-C-T. GRCh37 (hg19) VCF-style: chr1-22149847-C-T.
Other names: c.13141G>A, p.Ala4381Thr (NM_001291860.2); c.*1139C>T (NM_001013693.3); short protein forms A4380T, A4381T.
Identifiers: ClinVar variation 1444146 (VCV001444146.6), dbSNP rs779453903, ClinGen allele CA338908249.